The following is an entry in ClinVar:

NM_000540.3(RYR1):c.13175_13185del (p.His4392fs)

Gene: RYR1 (ryanodine receptor 1; plus strand). Cytogenetic location: 19q13.2.
Variant type: Deletion.
Coding change: c.13175_13185del on transcript NM_000540.3 (MANE Select); coding-DNA positions 13175 to 13185, 11 bases deleted (ACGGCGAGCAG).
Protein change: p.His4392fs; shifts the reading frame from histidine 4392.
Molecular consequence: frameshift variant.
Genome position (GRCh38, 1-based): chr19:38,565,509-38,565,519, ACGGCGAGCAG deleted. VCF-style (leftmost placement, unchanged base first): chr19-38565508-CACGGCGAGCAG-C. GRCh37 (hg19) VCF-style: chr19-39056148-CACGGCGAGCAG-C.
Other names: c.13160_13170del, p.His4387fs (NM_001042723.2); short protein forms H4387fs, H4392fs.
Identifiers: ClinVar variation 2748503 (VCV002748503.3), dbSNP rs2514679695, ClinGen allele CA2697556508.

ClinVar aggregate classification (germline): Pathogenic (1 of 4 stars; one submission).

Conditions:
RYR1-related disorder. Also called: RYR1-related condition; RYR1-related disorders. Identifiers: MedGen CN239331.

Submission:

Labcorp Genetics (formerly Invitae), Labcorp
Classification: Pathogenic for RYR1-related disorder. Last evaluated: 2023-12-19. Review status: criteria provided, single submitter. Criteria: Invitae Variant Classification Sherloc (09022015). Collection method: clinical testing. Allele origin: germline.
Comment: This sequence change creates a premature translational stop signal (p.His4392Profs*187) in the RYR1 gene. It is expected to result in an absent or disrupted protein product. Loss-of-function variants in RYR1 are known to be pathogenic (PMID: 23919265, 25960145, 28818389, 30611313). This variant is not present in population databases (gnomAD no frequency). This variant has not been reported in the literature in individuals affected with RYR1-related conditions. For these reasons, this variant has been classified as Pathogenic.

Literature cited by the submitters: PubMed 23919265; PubMed 25960145; PubMed 28818389; PubMed 30611313.